The following is an entry in ClinVar:

ClinVar aggregate classification (germline): Uncertain significance (1 of 4 stars; one submission).

Conditions:
Cryptosporidiosis-chronic cholangitis-liver disease syndrome. Also called: Immunodeficiency type 56; IL21R immunodeficiency. Identifiers: Orphanet 357329, MedGen C3554687, MONDO:0014082, OMIM 615207.

Allele frequency attached by ClinVar (database versions not stated): gnomAD 0.00001; TOPMed below 0.00001.
gnomAD v4.1: 1 of 1,613,024 alleles (0.000062%); highest among the groups gnomAD compares: Non-Finnish European, 0.000085%; no homozygotes.

Submission:

Labcorp Genetics (formerly Invitae), Labcorp
Classification: Uncertain significance for Cryptosporidiosis-chronic cholangitis-liver disease syndrome. Last evaluated: 2021-07-31. Review status: criteria provided, single submitter. Criteria: Invitae Variant Classification Sherloc (09022015). Collection method: clinical testing. Allele origin: germline.
Comment: In summary, the available evidence is currently insufficient to determine the role of this variant in disease. Therefore, it has been classified as a Variant of Uncertain Significance. Algorithms developed to predict the effect of missense changes on protein structure and function are either unavailable or do not agree on the potential impact of this missense change (SIFT: "Deleterious"; PolyPhen-2: "Possibly Damaging"; Align-GVGD: "Class C0"). This variant has not been reported in the literature in individuals affected with IL21R-related conditions. This variant is not present in population databases (ExAC no frequency). This sequence change replaces lysine with glutamine at codon 289 of the IL21R protein (p.Lys289Gln). The lysine residue is highly conserved and there is a small physicochemical difference between lysine and glutamine.

NM_181078.3(IL21R):c.865A>C (p.Lys289Gln)

Gene: IL21R (interleukin 21 receptor; plus strand). Cytogenetic location: 16p12.1.
Variant type: single nucleotide variant.
Coding change: c.865A>C on transcript NM_181078.3 (MANE Select); coding-DNA position 865, A replaced by C.
Protein change: p.Lys289Gln; replaces lysine 289 with glutamine.
Molecular consequence: missense variant.
Genome position (GRCh38, 1-based): chr16:27,446,086, A>C. VCF-style: chr16-27446086-A-C. GRCh37 (hg19) VCF-style: chr16-27457407-A-C.
Other names: c.865A>C, p.Lys289Gln (NM_021798.4); c.931A>C, p.Lys311Gln (NM_181079.5); short protein forms K289Q, K311Q.
Identifiers: ClinVar variation 1352186 (VCV001352186.5), dbSNP rs1252604703, ClinGen allele CA395305365.
Genomic context (GRCh38, chr16:27,446,086, plus strand): 5'-GCCGTCCCCAGCCCTGAGCGGTTCTTCATGCCCCTGTACAAGGGCTGCAGCGGAGACTTC[A>C]AGGTGAGCTCCCGACCCTGTGATGAGCTCCTCGGAGCCCCTCCTCCTCTTCAGGAGCCCC-3'
Protein context (NP_851564.1, residues 279-299): PLYKGCSGDF[Lys289Gln]KWVGAPFTGS